The following is an entry in ClinVar:

ClinVar aggregate classification (germline): Uncertain significance (1 of 4 stars; one submission).

Conditions:
Hereditary cancer-predisposing syndrome. Also called: Tumor predisposition; Hereditary Cancer Syndrome; Hereditary neoplastic syndrome; Neoplastic Syndromes, Hereditary. Identifiers: Orphanet 140162, MedGen C0027672, MeSH D009386, MONDO:0015356.

gnomAD v4.1: 1 of 1,557,688 alleles (0.000064%); highest among the groups gnomAD compares: Non-Finnish European, 0.000089%; no homozygotes.

Submission:

Ambry Genetics
Classification: Uncertain significance for Hereditary cancer-predisposing syndrome. Last evaluated: 2025-11-25. Review status: criteria provided, single submitter. Criteria: Ambry Variant Classification Scheme 2023. Collection method: clinical testing. Allele origin: germline.
Comment: The p.N268T variant (also known as c.803A>C), located in coding exon 8 of the SMARCE1 gene, results from an A to C substitution at nucleotide position 803. The asparagine at codon 268 is replaced by threonine, an amino acid with similar properties. This amino acid position is conserved. In addition, this alteration is predicted to be tolerated by in silico analysis. Based on the available evidence, the clinical significance of this variant remains unclear.

NM_003079.5(SMARCE1):c.803A>C (p.Asn268Thr)

Gene: SMARCE1 (SWI/SNF related BAF chromatin remodeling complex subunit E1; minus strand). Cytogenetic location: 17q21.2.
Variant type: single nucleotide variant.
Coding change: c.803A>C on transcript NM_003079.5 (MANE Select); coding-DNA position 803, A replaced by C.
Protein change: p.Asn268Thr; replaces asparagine 268 with threonine.
Molecular consequence: missense variant.
Genome position (GRCh38, 1-based): chr17:40,631,605, T>G on the plus strand (A>C on the coding strand, the complement: SMARCE1 is on the minus strand). VCF-style: chr17-40631605-T-G. GRCh37 (hg19) VCF-style: chr17-38787857-T-G.
Other names: short protein forms N268T.
Identifiers: ClinVar variation 4550440 (VCV004550440.1).